The following is an entry in ClinVar:

ClinVar aggregate classification (germline): Likely benign (1 of 4 stars; one submission).

gnomAD v4.1: 64 of 1,614,048 alleles (0.004%); highest among the groups gnomAD compares: Non-Finnish European, 0.0051%; no homozygotes.

Submission:

CeGaT Center for Human Genetics Tuebingen
Classification: Likely benign. Last evaluated: 2025-06-01. Review status: criteria provided, single submitter. Criteria: CeGaT Center For Human Genetics Tuebingen Variant Classification Criteria Version 2. Collection method: clinical testing. Allele origin: germline. Affected: yes. Observed: 1 variant allele.
Comment: ANKRD17: BP4, BP7

NM_032217.5(ANKRD17):c.2625G>A (p.Glu875=)

Gene: ANKRD17 (ankyrin repeat domain 17; minus strand). Cytogenetic location: 4q13.3.
Variant type: single nucleotide variant.
Coding change: c.2625G>A on transcript NM_032217.5 (MANE Select); coding-DNA position 2625, G replaced by A.
Protein change: p.Glu875=; no amino-acid change (glutamic acid 875 retained).
Molecular consequence: synonymous variant. On other transcripts: intron variant (1).
Genome position (GRCh38, 1-based): chr4:73,139,991, C>T on the plus strand (G>A on the coding strand, the complement: ANKRD17 is on the minus strand). VCF-style: chr4-73139991-C-T. GRCh37 (hg19) VCF-style: chr4-74005708-C-T.
Other names: c.2286G>A, p.Glu762= (NM_001286771.3); c.2625G>A, p.Glu875= (NM_015574.2); c.2332+1750G>A (NM_198889.3).
Identifiers: ClinVar variation 3905037 (VCV003905037.10).
Genomic context (GRCh38, chr4:73,139,991, plus strand): 5'-TCTTTGAGCTTTAACCTCTAGATACTGCTTTTTTAGCTGCTGCTGAGTTTTCAGTTGTAA[C>T]TCTCGTTCTACTTTCTGTAGTTCCTCCAAAATCTTTTGTTTCTTCTGAATTTGTTCCTCC-3'
Protein context (NP_115593.3, residues 865-885): ILEELQKVER[Glu875=]LQLKTQQQLK